The following is an entry in ClinVar:

ClinVar aggregate classification (germline): Conflicting classifications of pathogenicity. Review status: criteria provided, conflicting classifications (1 of 4 stars). 7 submissions from 7 submitters: Uncertain significance (1); Benign (1); Likely benign (4). 1 of the submissions does not count toward it. Last evaluated 2026-04-27.

Conditions:
Charcot-Marie-Tooth disease type 2. Also called: Charcot-Marie-Tooth type 2. Identifiers: Orphanet 64746, MedGen C0270914, MONDO:0018993.
Neuroblastoma (NB). Identifiers: Orphanet 635, MedGen C0027819, MeSH D009447, MONDO:0005072, HP:0003006.
KIF1B-related disorder. Also called: KIF1B-related condition.

Allele frequency attached by ClinVar (database versions not stated): gnomAD exomes 0.00011 and 0.00036; ExAC 0.00016; gnomAD 0.00018 and 0.00019; TOPMed 0.00020; ESP Exome Variant Server 0.00038.
gnomAD v4.1: 552 of 1,613,540 alleles (0.034%); highest among the groups gnomAD compares: Non-Finnish European, 0.044%; 2 homozygotes.

Submissions (7):

Women's Health and Genetics/Laboratory Corporation of America, LabCorp
Classification: Likely benign. Last evaluated: 2026-04-27. Review status: criteria provided, single submitter. Criteria: LabCorp Variant Classification Summary - May 2015. Collection method: clinical testing. Allele origin: germline.

Labcorp Genetics (formerly Invitae), Labcorp
Classification: Likely benign for Charcot-Marie-Tooth disease type 2. Last evaluated: 2025-10-23. Review status: criteria provided, single submitter. Criteria: Invitae Variant Classification Sherloc (09022015). Collection method: clinical testing. Allele origin: germline.

CeGaT Center for Human Genetics Tuebingen
Classification: Likely benign. Last evaluated: 2025-10-01. Review status: criteria provided, single submitter. Criteria: CeGaT Center For Human Genetics Tuebingen Variant Classification Criteria Version 2. Collection method: clinical testing. Allele origin: germline. Affected: yes. Observed: 2 variant alleles.
Comment: KIF1B: BP4, BP7

Blueprint Genetics
Classification: Likely benign. Last evaluated: 2024-10-17. Review status: criteria provided, single submitter. Criteria: ACMG Guidelines, 2015. Collection method: clinical testing. Allele origin: germline.

Ambry Genetics
Classification: Benign. Last evaluated: 2020-09-29. Review status: criteria provided, single submitter. Criteria: Ambry Variant Classification Scheme 2023. Collection method: clinical testing. Allele origin: germline.

Illumina Laboratory Services, Illumina
Classification: Uncertain significance for Neuroblastoma. Last evaluated: 2018-01-12. Review status: criteria provided, single submitter. Criteria: ICSL Variant Classification Criteria 13 December 2019. Collection method: clinical testing. Allele origin: germline.

PreventionGenetics, part of Exact Sciences
Classification: Likely benign for KIF1B-related condition. Last evaluated: 2019-03-04. Review status: no assertion criteria provided. Collection method: clinical testing. Allele origin: germline. Not counted in ClinVar's aggregate classification.
Comment: This variant is classified as likely benign based on ACMG/AMP sequence variant interpretation guidelines (Richards et al. 2015 PMID: 25741868, with internal and published modifications).

NM_001365951.3(KIF1B):c.1014C>T (p.Tyr338=)

Gene: KIF1B (kinesin family member 1B; plus strand). Cytogenetic location: 1p36.22.
Variant type: single nucleotide variant.
Coding change: c.1014C>T on transcript NM_001365951.3 (MANE Select); coding-DNA position 1014, C replaced by T.
Protein change: p.Tyr338=; no amino-acid change (tyrosine 338 retained).
Molecular consequence: synonymous variant.
Genome position (GRCh38, 1-based): chr1:10,276,376, C>T. VCF-style: chr1-10276376-C-T. GRCh37 (hg19) VCF-style: chr1-10336434-C-T.
Other names: c.1014C>T, p.Tyr338= (NM_001365952.1); c.996C>T, p.Tyr332= (NM_001365953.1, NM_015074.3, NM_183416.4).
Identifiers: ClinVar variation 476791 (VCV000476791.28), dbSNP rs150411706, ClinGen allele CA580866.